The following is an entry in ClinVar:

ClinVar aggregate classification (germline): Uncertain significance (1 of 4 stars; one submission).

Conditions:
Cardiomyopathy (CMYO). Also called: Cardiomyopathies. Identifiers: Orphanet 167848, MedGen C0878544, MONDO:0004994, HP:0001638. Inheritance: Various modes of inheritance.

Submission:

Color Diagnostics, LLC DBA Color Health
Classification: Uncertain significance for Cardiomyopathy. Last evaluated: 2023-12-05. Review status: criteria provided, single submitter. Criteria: ACMG Guidelines, 2015. Collection method: clinical testing. Allele origin: germline.
Comment: Variant of Uncertain Significance due to insufficient evidence: This missense variant is located in the cytoplasmic domain of the RYR2 protein. Computational prediction tools and conservation analyses are inconclusive regarding the impact of this variant on the protein function. Computational splicing tools suggest that this variant may not impact RNA splicing. To our knowledge, functional assays have not been performed for this variant nor has this variant been reported in individuals affected with cardiovascular disorders in the literature. This variant is rare in the general population and has been identified in 0/277264 chromosomes by the Genome Aggregation Database (gnomAD). Available evidence is insufficient to determine the pathogenicity of this variant conclusively.

NM_001035.3(RYR2):c.2881G>A (p.Val961Met)

Gene: RYR2 (ryanodine receptor 2; plus strand). Cytogenetic location: 1q43.
Variant type: single nucleotide variant.
Coding change: c.2881G>A on transcript NM_001035.3 (MANE Select); coding-DNA position 2881, G replaced by A.
Protein change: p.Val961Met; replaces valine 961 with methionine.
Molecular consequence: missense variant.
Genome position (GRCh38, 1-based): chr1:237,530,485, G>A. VCF-style: chr1-237530485-G-A. GRCh37 (hg19) VCF-style: chr1-237693785-G-A.
Other names: c.2881G>A, p.Val961Met (LRG_402t1); short protein forms V961M.
Identifiers: ClinVar variation 629386 (VCV000629386.4), dbSNP rs876657990, ClinGen allele CA345388125.